The following is an entry in ClinVar:

NM_001033855.3(DCLRE1C):c.769C>T (p.Arg257Trp)

Gene: DCLRE1C (DNA cross-link repair 1C; minus strand). Cytogenetic location: 10p13.
Variant type: single nucleotide variant.
Coding change: c.769C>T on transcript NM_001033855.3 (MANE Select); coding-DNA position 769, C replaced by T.
Protein change: p.Arg257Trp; replaces arginine 257 with tryptophan.
Molecular consequence: missense variant. On other transcripts: non-coding transcript variant (4).
Genome position (GRCh38, 1-based): chr10:14,932,865, G>A on the plus strand (C>T on the coding strand, the complement: DCLRE1C is on the minus strand). VCF-style: chr10-14932865-G-A. GRCh37 (hg19) VCF-style: chr10-14974864-G-A.
Other names: c.409C>T, p.Arg137Trp (NM_001033857.3, NM_001033858.3, NM_001289077.2 and 2 more transcripts); c.424C>T, p.Arg142Trp (NM_001289076.2, NM_001289078.2, NM_001350966.2 and 1 more transcripts); c.769C>T, p.Arg257Trp (NM_001350965.2); short protein forms R137W, R257W, R142W.
Identifiers: ClinVar variation 2143984 (VCV002143984.1), dbSNP rs768646305, ClinGen allele CA5416696.

ClinVar aggregate classification (germline): Uncertain significance (1 of 4 stars; one submission).

Conditions:
Severe combined immunodeficiency due to DCLRE1C deficiency (RS-SCID). Also called: SCID, AUTOSOMAL RECESSIVE, T CELL-NEGATIVE, B CELL-NEGATIVE, NK CELL-POSITIVE, WITH SENSITIVITY TO IONIZING RADIATION. Identifiers: Orphanet 275, MedGen C1865371, MONDO:0011225, OMIM 602450.

Allele frequency attached by ClinVar (database versions not stated): ExAC 0.00003.

Submission:

Labcorp Genetics (formerly Invitae), Labcorp
Classification: Uncertain significance for Athabaskan severe combined immunodeficiency. Last evaluated: 2021-12-30. Review status: criteria provided, single submitter. Criteria: Invitae Variant Classification Sherloc (09022015). Collection method: clinical testing. Allele origin: germline.
Comment: This sequence change replaces arginine, which is basic and polar, with tryptophan, which is neutral and slightly polar, at codon 257 of the DCLRE1C protein (p.Arg257Trp). This variant is present in population databases (rs768646305, gnomAD 0.004%). This variant has not been reported in the literature in individuals affected with DCLRE1C-related conditions. Algorithms developed to predict the effect of missense changes on protein structure and function are either unavailable or do not agree on the potential impact of this missense change (SIFT: "Deleterious"; PolyPhen-2: "Possibly Damaging"; Align-GVGD: "Class C15"). In summary, the available evidence is currently insufficient to determine the role of this variant in disease. Therefore, it has been classified as a Variant of Uncertain Significance.